The following is an entry in ClinVar:

ClinVar aggregate classification (germline): Uncertain significance (1 of 4 stars; one submission).

gnomAD v4.1: 1 of 1,579,926 alleles (0.000063%); highest among the groups gnomAD compares: Admixed American, 0.0018%; no homozygotes.

Submission:

Ambry Genetics
Classification: Uncertain significance. Last evaluated: 2025-02-20. Review status: criteria provided, single submitter. Criteria: Ambry Variant Classification Scheme 2023. Collection method: clinical testing. Allele origin: germline.
Comment: The p.G53R variant (also known as c.157G>A), located in coding exon 1 of the ATRIP gene, results from a G to A substitution at nucleotide position 157. The glycine at codon 53 is replaced by arginine, an amino acid with dissimilar properties. This amino acid position is conserved. In addition, this alteration is predicted to be tolerated by in silico analysis. Based on the available evidence, the clinical significance of this variant remains unclear.

NM_130384.3(ATRIP):c.157G>A (p.Gly53Arg)

Genes: ATRIP (ATR interacting protein; plus strand), ATRIP-TREX1 (ATRIP-TREX1 readthrough; plus strand), LOC129936703 (ATAC-STARR-seq lymphoblastoid silent region 14331; plus strand). Cytogenetic location: 3p21.31.
Variant type: single nucleotide variant.
Coding change: c.157G>A on transcript NM_130384.3 (MANE Select); coding-DNA position 157, G replaced by A.
Protein change: p.Gly53Arg; replaces glycine 53 with arginine.
Molecular consequence: missense variant. On other transcripts: non-coding transcript variant (1), intron variant (1).
Genome position (GRCh38, 1-based): chr3:48,447,002, G>A. VCF-style: chr3-48447002-G-A. GRCh37 (hg19) VCF-style: chr3-48488406-G-A.
Other names: c.157G>A, p.Gly53Arg (NM_032166.4); c.-218+203G>A (NM_001271022.2); short protein forms G53R.
Identifiers: ClinVar variation 3810935 (VCV003810935.1).